The following is an entry in ClinVar:

ClinVar aggregate classification (germline): Uncertain significance (1 of 4 stars; one submission).

Conditions:
Inborn genetic diseases. Identifiers: MedGen C0950123, MeSH D030342.

Submission:

Ambry Genetics
Classification: Uncertain significance for Inborn genetic diseases. Last evaluated: 2025-08-02. Review status: criteria provided, single submitter. Criteria: Ambry Variant Classification Scheme 2023. Collection method: clinical testing. Allele origin: germline.
Comment: The p.P488A variant (also known as c.1462C>G), located in coding exon 11 of the FANCG gene, results from a C to G substitution at nucleotide position 1462. The proline at codon 488 is replaced by alanine, an amino acid with highly similar properties. This amino acid position is conserved. In addition, this alteration is predicted to be tolerated by in silico analysis. Based on the available evidence, the clinical significance of this variant remains unclear.

NM_004629.2(FANCG):c.1462C>G (p.Pro488Ala)

Gene: FANCG (FA complementation group G; minus strand). Cytogenetic location: 9p13.3.
Variant type: single nucleotide variant.
Coding change: c.1462C>G on transcript NM_004629.2 (MANE Select); coding-DNA position 1462, C replaced by G.
Protein change: p.Pro488Ala; replaces proline 488 with alanine.
Molecular consequence: missense variant.
Genome position (GRCh38, 1-based): chr9:35,075,297, G>C on the plus strand (C>G on the coding strand, the complement: FANCG is on the minus strand). VCF-style: chr9-35075297-G-C. GRCh37 (hg19) VCF-style: chr9-35075294-G-C.
Other names: short protein forms P488A.
Identifiers: ClinVar variation 4254465 (VCV004254465.1).